The following is an entry in ClinVar:

ClinVar aggregate classification (germline): Likely benign. Review status: criteria provided, multiple submitters, no conflicts (2 of 4 stars). 2 submissions from 2 submitters: Likely benign (2). Last evaluated 2025-12-10.

Conditions:
Hereditary sensory neuropathy-deafness-dementia syndrome. Also called: NEUROPATHY, HEREDITARY SENSORY, WITH HEARING LOSS AND DEMENTIA; Hereditary sensory neuropathy type IE; HSN IE; Hereditary Sensory and Autonomic Neuropathy Type 1E (HSAN1E). Identifiers: Orphanet 456318, MedGen C3279885, MONDO:0013584, OMIM 614116.
DNMT1-related disorder. Also called: DNMT1-related condition. Identifiers: MedGen CN381527.

Allele frequency attached by ClinVar (database versions not stated): gnomAD 0.00001; TOPMed 0.00001.
gnomAD v4.1: 7 of 1,607,368 alleles (0.00044%); highest among the groups gnomAD compares: Non-Finnish European, 0.0006%; no homozygotes.

Submissions (2):

PreventionGenetics, part of Exact Sciences
Classification: Likely benign for DNMT1-related condition. Last evaluated: 2025-12-10. Review status: criteria provided, single submitter. Criteria: ACMG Guidelines, 2015. Collection method: clinical testing. Allele origin: germline.
Comment: This variant is classified as likely benign based on ACMG/AMP sequence variant interpretation guidelines (Richards et al. 2015 PMID: 25741868, with internal and published modifications).

Labcorp Genetics (formerly Invitae), Labcorp
Classification: Likely benign for Hereditary sensory neuropathy-deafness-dementia syndrome. Last evaluated: 2022-01-23. Review status: criteria provided, single submitter. Criteria: Invitae Variant Classification Sherloc (09022015). Collection method: clinical testing. Allele origin: germline.

NM_001130823.3(DNMT1):c.1281-8C>T

Gene: DNMT1 (DNA methyltransferase 1; minus strand). Cytogenetic location: 19p13.2.
Variant type: single nucleotide variant.
Coding change: c.1281-8C>T on transcript NM_001130823.3 (MANE Select); 8 bases into the intron before coding-DNA position 1281, C replaced by T.
Molecular consequence: intron variant.
Genome position (GRCh38, 1-based): chr19:10,156,517, G>A on the plus strand (C>T on the coding strand, the complement: DNMT1 is on the minus strand). VCF-style: chr19-10156517-G-A. GRCh37 (hg19) VCF-style: chr19-10267193-G-A.
Other names: c.918-8C>T (NM_001318731.2); c.1233-8C>T (NM_001379.4, NM_001318730.2); c.1281-8C>T (NM_001130823.2).
Identifiers: ClinVar variation 743611 (VCV000743611.10), dbSNP rs1256774103, ClinGen allele CA783145061.